The following is an entry in ClinVar:

NM_002109.6(HARS1):c.977G>A (p.Arg326Gln)

Gene: HARS1 (histidyl-tRNA synthetase 1; minus strand). Cytogenetic location: 5q31.3.
Variant type: single nucleotide variant.
Coding change: c.977G>A on transcript NM_002109.6 (MANE Select); coding-DNA position 977, G replaced by A.
Protein change: p.Arg326Gln; replaces arginine 326 with glutamine.
Molecular consequence: missense variant.
Genome position (GRCh38, 1-based): chr5:140,676,871, C>T on the plus strand (G>A on the coding strand, the complement: HARS1 is on the minus strand). VCF-style: chr5-140676871-C-T. GRCh37 (hg19) VCF-style: chr5-140056456-C-T.
Other names: c.857G>A, p.Arg286Gln (NM_001258040.3); c.917G>A, p.Arg306Gln (NM_001258041.3); c.797G>A, p.Arg266Gln (NM_001258042.3); c.755G>A, p.Arg252Gln (NM_001289092.2); c.635G>A, p.Arg212Gln (NM_001289093.2); c.890G>A, p.Arg297Gln (NM_001289094.2); c.977G>A (NM_002109.3); short protein forms R212Q, R252Q, R266Q, R286Q, R297Q, R306Q, R326Q.
Identifiers: ClinVar variation 1318810 (VCV001318810.7), dbSNP rs765994836, ClinGen allele CA3443945.

ClinVar aggregate classification (germline): Uncertain significance. Review status: criteria provided, multiple submitters, no conflicts (2 of 4 stars). 3 submissions from 3 submitters: Uncertain significance (3). Last evaluated 2025-09-18.

Conditions:
Usher syndrome type 3B. Also called: USHER SYNDROME, TYPE IIIB. Identifiers: MedGen C3281066, MONDO:0013788, OMIM 614504.

Allele frequency attached by ClinVar (database versions not stated): gnomAD exomes below 0.00001; ExAC 0.00001.
gnomAD v4.1: 2 of 1,613,892 alleles (0.00012%); highest among the groups gnomAD compares: East Asian, 0.0022%; no homozygotes.

Submissions (3):

GeneDx
Classification: Uncertain significance. Last evaluated: 2025-09-18. Review status: criteria provided, single submitter. Criteria: GeneDx Variant Classification Process June 2021. Collection method: clinical testing. Allele origin: germline. Affected: yes.
Comment: In silico analysis supports that this missense variant has a deleterious effect on protein structure/function; Has not been previously published in a patient as pathogenic or benign to our knowledge; Not observed at significant frequency in large population cohorts (gnomAD); This variant is associated with the following publications: (PMID: 25151410)

Ambry Genetics
Classification: Uncertain significance. Last evaluated: 2025-06-17. Review status: criteria provided, single submitter. Criteria: Ambry Variant Classification Scheme 2023. Collection method: clinical testing. Allele origin: germline.

Labcorp Genetics (formerly Invitae), Labcorp
Classification: Uncertain significance for Usher syndrome type 3B. Last evaluated: 2025-01-20. Review status: criteria provided, single submitter. Criteria: Invitae Variant Classification Sherloc (09022015). Collection method: clinical testing. Allele origin: germline.
Comment: This sequence change replaces arginine, which is basic and polar, with glutamine, which is neutral and polar, at codon 326 of the HARS protein (p.Arg326Gln). This variant is present in population databases (rs765994836, gnomAD 0.006%). This variant has not been reported in the literature in individuals affected with HARS-related conditions. ClinVar contains an entry for this variant (Variation ID: 1318810). Invitae Evidence Modeling of protein sequence and biophysical properties (such as structural, functional, and spatial information, amino acid conservation, physicochemical variation, residue mobility, and thermodynamic stability) indicates that this missense variant is expected to disrupt HARS protein function with a positive predictive value of 80%. In summary, the available evidence is currently insufficient to determine the role of this variant in disease. Therefore, it has been classified as a Variant of Uncertain Significance.